The following is an entry in ClinVar:

NM_020435.4(GJC2):c.1133C>T (p.Pro378Leu)

Gene: GJC2 (gap junction protein gamma 2; plus strand). Cytogenetic location: 1q42.13.
Variant type: single nucleotide variant.
Coding change: c.1133C>T on transcript NM_020435.4 (MANE Select); coding-DNA position 1133, C replaced by T.
Protein change: p.Pro378Leu; replaces proline 378 with leucine.
Molecular consequence: missense variant.
Genome position (GRCh38, 1-based): chr1:228,158,891, C>T. VCF-style: chr1-228158891-C-T. GRCh37 (hg19) VCF-style: chr1-228346592-C-T.
Other names: short protein forms P378L.
Identifiers: ClinVar variation 1911973 (VCV001911973.5), dbSNP rs746949606, ClinGen allele CA1430951.
Genomic context (GRCh38, chr1:228,158,891, plus strand): 5'-TGCGCGACGGGGCAGCGGCTGGGGACCGCGACCGGGACAGTTCGCCGTGCGTCGGCCTCC[C>T]TGCGGCCTCCCGGGGGCCCCCCAGAGCAGGCGCCCCCGCGTCCCGGACGGGCAGTGCTAC-3'
Protein context (NP_065168.2, residues 368-388): DRDSSPCVGL[Pro378Leu]AASRGPPRAG

ClinVar aggregate classification (germline): Uncertain significance (1 of 4 stars; one submission).

Conditions:
Spastic paraplegia. Identifiers: MedGen C0037772, HP:0001258.

Allele frequency attached by ClinVar (database versions not stated): gnomAD exomes below 0.00001.

Submission:

Labcorp Genetics (formerly Invitae), Labcorp
Classification: Uncertain significance for Spastic paraplegia. Last evaluated: 2024-12-07. Review status: criteria provided, single submitter. Criteria: Invitae Variant Classification Sherloc (09022015). Collection method: clinical testing. Allele origin: germline.
Comment: This sequence change replaces proline, which is neutral and non-polar, with leucine, which is neutral and non-polar, at codon 378 of the GJC2 protein (p.Pro378Leu). This variant is present in population databases (rs746949606, gnomAD 0.02%). This variant has not been reported in the literature in individuals affected with GJC2-related conditions. ClinVar contains an entry for this variant (Variation ID: 1911973). Invitae Evidence Modeling of protein sequence and biophysical properties (such as structural, functional, and spatial information, amino acid conservation, physicochemical variation, residue mobility, and thermodynamic stability) has been performed for this missense variant. However, the output from this modeling did not meet the statistical confidence thresholds required to predict the impact of this variant on GJC2 protein function. In summary, the available evidence is currently insufficient to determine the role of this variant in disease. Therefore, it has been classified as a Variant of Uncertain Significance.